The following is an entry in ClinVar:

NM_020921.4(NIN):c.3314CTT[1] (p.Ser1106del)

Gene: NIN (ninein; minus strand). Cytogenetic location: 14q22.1.
Variant type: Microsatellite.
Coding change: c.3314CTT[1] on transcript NM_020921.4 (MANE Select); one copy of the 3-base unit CTT starting at c.3314; the reference has two copies in a row; one copy, 3 bases deleted.
Protein change: p.Ser1106del; deletes serine 1106.
Molecular consequence: intron variant (on NM_016350.5).
Genome position (GRCh38, 1-based): chr14:50,757,711-50,757,713, AAG deleted on the plus strand (CTT on the coding strand, the reverse complement: NIN is on the minus strand); deleting any 3 consecutive bases within chr14:50,757,711-50,757,717 gives the same sequence; the position shown is the placement nearest the transcript's 3' end. VCF-style (leftmost placement, unchanged base first): chr14-50757710-CAAG-C. GRCh37 (hg19) VCF-style: chr14-51224428-CAAG-C.
Other names: c.3314CTT[1], p.Ser1106del (NM_182944.3, NM_182946.2); c.2399+2144_2399+2146del (NM_016350.5); short protein forms S1106del.
Identifiers: ClinVar variation 3636430 (VCV003636430.2).

ClinVar aggregate classification (germline): Uncertain significance (1 of 4 stars; one submission).

Submission:

Labcorp Genetics (formerly Invitae), Labcorp
Classification: Uncertain significance. Last evaluated: 2024-07-17. Review status: criteria provided, single submitter. Criteria: Invitae Variant Classification Sherloc (09022015). Collection method: clinical testing. Allele origin: germline.
Comment: This variant, c.3317_3319del, results in the deletion of 1 amino acid(s) of the NIN protein (p.Ser1106del), but otherwise preserves the integrity of the reading frame. This variant is present in population databases (rs765284189, gnomAD 0.02%). This variant has not been reported in the literature in individuals affected with NIN-related conditions. Experimental studies and prediction algorithms are not available or were not evaluated, and the functional significance of this variant is currently unknown. In summary, the available evidence is currently insufficient to determine the role of this variant in disease. Therefore, it has been classified as a Variant of Uncertain Significance.